The following is an entry in ClinVar:

NM_001943.5(DSG2):c.2174T>C (p.Leu725Pro)

Genes: DSG2 (desmoglein 2; plus strand), DSG2-AS1 (DSG2 antisense RNA 1; minus strand). Cytogenetic location: 18q12.1.
Variant type: single nucleotide variant.
Coding change: c.2174T>C on transcript NM_001943.5 (MANE Select); coding-DNA position 2174, T replaced by C.
Protein change: p.Leu725Pro; replaces leucine 725 with proline.
Molecular consequence: missense variant.
Genome position (GRCh38, 1-based): chr18:31,542,692, T>C. VCF-style: chr18-31542692-T-C. GRCh37 (hg19) VCF-style: chr18-29122655-T-C.
Other names: short protein forms L725P.
Identifiers: ClinVar variation 945157 (VCV000945157.7), dbSNP rs960047010, ClinGen allele CA297700208.
Genomic context (GRCh38, chr18:31,542,692, plus strand): 5'-TCAAAGGGCAACATGAGATGTCCGAGATGGATGGAAGGTGGGAAGAACACAGAAGCCTGC[T>C]TTCTGGTAGAGCTACCCAGTTTACAGGGGCCACAGGCGCTATCATGACCACTGAAACCAC-3'
Protein context (NP_001934.2, residues 715-735): DGRWEEHRSL[Leu725Pro]SGRATQFTGA

ClinVar aggregate classification (germline): Uncertain significance (1 of 4 stars; one submission).

Conditions:
Arrhythmogenic right ventricular dysplasia 10. Also called: Arrhythmogenic Right Ventricular Dysplasia/Cardiomyopathy10; Arrhythmogenic right ventricular dysplasia/cardiomyopathy, type 10; ARRHYTHMOGENIC RIGHT VENTRICULAR DYSPLASIA, FAMILIAL, 10. Identifiers: MedGen C1857777, MONDO:0012434, OMIM 610193.

Allele frequency attached by ClinVar (database versions not stated): gnomAD exomes below 0.00001.
gnomAD v4.1: 3 of 1,614,218 alleles (0.00019%); highest among the groups gnomAD compares: Non-Finnish European, 0.00025%; no homozygotes.

Submission:

Labcorp Genetics (formerly Invitae), Labcorp
Classification: Uncertain significance for Arrhythmogenic right ventricular dysplasia 10. Last evaluated: 2021-09-01. Review status: criteria provided, single submitter. Criteria: Invitae Variant Classification Sherloc (09022015). Collection method: clinical testing. Allele origin: germline.
Comment: This sequence change replaces leucine with proline at codon 725 of the DSG2 protein (p.Leu725Pro). The leucine residue is moderately conserved and there is a moderate physicochemical difference between leucine and proline. This variant is not present in population databases (ExAC no frequency). This variant has not been reported in the literature in individuals affected with DSG2-related conditions. Algorithms developed to predict the effect of missense changes on protein structure and function are either unavailable or do not agree on the potential impact of this missense change (SIFT: "Deleterious"; PolyPhen-2: "Possibly Damaging"; Align-GVGD: "Class C15"). In summary, the available evidence is currently insufficient to determine the role of this variant in disease. Therefore, it has been classified as a Variant of Uncertain Significance.